The following is an entry in ClinVar:

NM_012208.4(HARS2):c.838C>G (p.Leu280Val)

Gene: HARS2 (histidyl-tRNA synthetase 2, mitochondrial; plus strand). Cytogenetic location: 5q31.3.
Variant type: single nucleotide variant.
Coding change: c.838C>G on transcript NM_012208.4 (MANE Select); coding-DNA position 838, C replaced by G.
Protein change: p.Leu280Val; replaces leucine 280 with valine.
Molecular consequence: missense variant.
Genome position (GRCh38, 1-based): chr5:140,696,954, C>G. VCF-style: chr5-140696954-C-G. GRCh37 (hg19) VCF-style: chr5-140076539-C-G.
Other names: c.763C>G, p.Leu255Val (NM_001278731.2); c.406C>G, p.Leu136Val (NM_001278732.2); c.856C>G, p.Leu286Val (NM_001363535.2); c.628C>G, p.Leu210Val (NM_001363536.2); short protein forms L280V, L210V, L255V, L286V, L136V.
Identifiers: ClinVar variation 504905 (VCV000504905.15), dbSNP rs1439213535, ClinGen allele CA361199707.

ClinVar aggregate classification (germline): Uncertain significance. Review status: criteria provided, multiple submitters, no conflicts (2 of 4 stars). 4 submissions from 4 submitters: Uncertain significance (4). Last evaluated 2022-07-12.

Allele frequency attached by ClinVar (database versions not stated): gnomAD exomes below 0.00001.
gnomAD v4.1: 9 of 1,613,046 alleles (0.00056%); highest among the groups gnomAD compares: African/African-American, 0.0013%; no homozygotes.

Submissions (4):

Labcorp Genetics (formerly Invitae), Labcorp
Classification: Uncertain significance. Last evaluated: 2022-07-12. Review status: criteria provided, single submitter. Criteria: Invitae Variant Classification Sherloc (09022015). Collection method: clinical testing. Allele origin: germline.
Comment: In summary, the available evidence is currently insufficient to determine the role of this variant in disease. Therefore, it has been classified as a Variant of Uncertain Significance. Algorithms developed to predict the effect of missense changes on protein structure and function (SIFT, PolyPhen-2, Align-GVGD) all suggest that this variant is likely to be tolerated. ClinVar contains an entry for this variant (Variation ID: 504905). This variant has not been reported in the literature in individuals affected with HARS2-related conditions. This variant is present in population databases (no rsID available, gnomAD 0.0009%). This sequence change replaces leucine, which is neutral and non-polar, with valine, which is neutral and non-polar, at codon 280 of the HARS2 protein (p.Leu280Val).

ARUP Laboratories, Molecular Genetics and Genomics, ARUP Laboratories
Classification: Uncertain significance. Last evaluated: 2018-01-18. Review status: criteria provided, single submitter. Criteria: ARUP Molecular Germline Variant Investigation Process. Collection method: clinical testing. Allele origin: germline.
Comment: The p.Leu280Val variant has not been reported in the medical literature, gene specific variation databases, nor has it been previously identified by our laboratory. This variant is listed in the Genome Aggregation Database (gnomAD) identified on a single chromosome out of 246,040.The leucine at position 280 is highly conserved up to C. elegans considering 13 species, and computational analyses of the effects of the p.Leu280Val variant on protein structure and function provide conflicting results (SIFT: tolerated, MutationTaster: disease causing, PolyPhen-2: benign). Altogether, there is not enough evidence to classify the p.Leu280Val variant with certainty.

Laboratory for Molecular Medicine, Mass General Brigham Personalized Medicine
Classification: Uncertain significance. Last evaluated: 2016-04-13. Review status: criteria provided, single submitter. Criteria: LMM Criteria. Collection method: clinical testing. Allele origin: germline. Observed: 1 variant allele.
Comment: The p.Leu280Val variant in HARS2 has not been reported in individuals with heari ng loss or Perrault syndrome and was absent from large population studies. Compu tational prediction tools and conservation analyses do not provide strong suppor t for or against an impact to the protein. In summary, the clinical significance of the p.Leu280Val variant is uncertain.

Breakthrough Genomics
Classification: Uncertain significance. Review status: criteria provided, single submitter. Criteria: ACMG Guidelines, 2015. Collection method: not provided. Allele origin: germline. Inheritance: Autosomal recessive inheritance. Affected: yes.